The following is an entry in ClinVar:

NM_007294.4(BRCA1):c.628C>G (p.Gln210Glu)

Gene: BRCA1 (BRCA1 DNA repair associated; minus strand). Cytogenetic location: 17q21.31.
Variant type: single nucleotide variant.
Coding change: c.628C>G on transcript NM_007294.4 (MANE Select); coding-DNA position 628, C replaced by G.
Protein change: p.Gln210Glu; replaces glutamine 210 with glutamic acid.
Molecular consequence: missense variant. On other transcripts: non-coding transcript variant (1).
Genome position (GRCh38, 1-based): chr17:43,095,888, G>C on the plus strand (C>G on the coding strand, the complement: BRCA1 is on the minus strand). VCF-style: chr17-43095888-G-C. GRCh37 (hg19) VCF-style: chr17-41247905-G-C.
Other names: c.484C>G, p.Gln162Glu (NM_001407848.1, NM_001407844.1, NM_001407845.1 and 26 more transcripts); c.418C>G, p.Gln140Glu (NM_001408483.1, NM_001408484.1, NM_001408485.1 and 27 more transcripts); c.415C>G, p.Gln139Glu (NM_001408490.1, NM_001408491.1, NM_001408493.1 and 12 more transcripts); c.247C>G, p.Gln83Glu (NM_001408510.1, NM_001407959.1, NM_001407960.1 and 1 more transcripts); c.487C>G, p.Gln163Glu (NM_007297.4, NM_001407692.1, NM_001407694.1 and 43 more transcripts); c.628C>G, p.Gln210Glu (NM_007298.4, NM_007299.4, NM_007300.4 and 59 more transcripts); c.625C>G, p.Gln209Glu (NM_001407587.1, NM_001407590.1, NM_001407591.1 and 41 more transcripts); c.619C>G, p.Gln207Glu (NM_001407646.1, NM_001407647.1, NM_001408408.1); and 4 more; short protein forms Q163E, Q210E, Q184E, Q140E, Q162E, Q165E, Q207E, Q209E.
Identifiers: ClinVar variation 826298 (VCV000826298.5), dbSNP rs879255495, ClinGen allele CA10600849.

ClinVar aggregate classification (germline): Uncertain significance (1 of 4 stars; one submission).

Conditions:
Hereditary cancer-predisposing syndrome. Also called: Neoplastic Syndromes, Hereditary; Tumor predisposition; Hereditary neoplastic syndrome; Hereditary Cancer Syndrome. Identifiers: Orphanet 140162, MedGen C0027672, MeSH D009386, MONDO:0015356.

Submission:

Ambry Genetics
Classification: Uncertain significance for Hereditary cancer-predisposing syndrome. Last evaluated: 2018-12-11. Review status: criteria provided, single submitter. Criteria: Ambry Variant Classification Scheme 2023. Collection method: clinical testing. Allele origin: germline.
Comment: The p.Q210E variant (also known as c.628C>G), located in coding exon 8 of the BRCA1 gene, results from a C to G substitution at nucleotide position 628. The glutamine at codon 210 is replaced by glutamic acid, an amino acid with highly similar properties. This amino acid position is well conserved in available vertebrate species. In addition, this alteration is predicted to be deleterious by in silico analysis. Since supporting evidence is limited at this time, the clinical significance of this alteration remains unclear.